The following is an entry in ClinVar:

NM_003738.5(PTCH2):c.3114+6C>T

Gene: PTCH2 (patched 2; minus strand). Cytogenetic location: 1p34.1.
Variant type: single nucleotide variant.
Coding change: c.3114+6C>T on transcript NM_003738.5 (MANE Select); 6 bases into the intron after coding-DNA position 3114, C replaced by T.
Molecular consequence: intron variant.
Genome position (GRCh38, 1-based): chr1:44,826,244, G>A on the plus strand (C>T on the coding strand, the complement: PTCH2 is on the minus strand). VCF-style: chr1-44826244-G-A. GRCh37 (hg19) VCF-style: chr1-45291916-G-A.
Other names: c.3114+6C>T (NM_001166292.2).
Identifiers: ClinVar variation 4748130 (VCV004748130.1).

ClinVar aggregate classification (germline): Uncertain significance (1 of 4 stars; one submission).

Conditions:
Gorlin syndrome. Also called: Nevoid Basal Cell Carcinoma Syndrome; Basal cell nevus syndrome. Identifiers: Orphanet 377, MedGen C0004779, MONDO:0007187.

Submission:

Labcorp Genetics (formerly Invitae), Labcorp
Classification: Uncertain significance for Gorlin syndrome. Last evaluated: 2025-11-01. Review status: criteria provided, single submitter. Criteria: Invitae Variant Classification Sherloc (09022015). Collection method: clinical testing. Allele origin: germline.
Comment: This sequence change falls in intron 19 of the PTCH2 gene. It does not directly change the encoded amino acid sequence of the PTCH2 protein. It affects a nucleotide within the consensus splice site. This variant is not present in population databases (gnomAD no frequency). This variant has not been reported in the literature in individuals affected with PTCH2-related conditions. Variants that disrupt the consensus splice site are a relatively common cause of aberrant splicing (PMID: 17576681, 9536098). Algorithms developed to predict the effect of sequence changes on RNA splicing suggest that this variant is not likely to affect RNA splicing. In summary, the available evidence is currently insufficient to determine the role of this variant in disease. Therefore, it has been classified as a Variant of Uncertain Significance.

Literature cited by the submitters: PubMed 17576681; PubMed 9536098.